The following is an entry in ClinVar:

ClinVar aggregate classification (germline): Uncertain significance (1 of 4 stars; one submission).

Conditions:
RASopathy. Also called: Noonan spectrum disorder; rasopathies. Identifiers: Orphanet 536391, MedGen C5555857, MONDO:0021060.

Submission:

Labcorp Genetics (formerly Invitae), Labcorp
Classification: Uncertain significance for RASopathy. Last evaluated: 2025-07-09. Review status: criteria provided, single submitter. Criteria: Invitae Variant Classification Sherloc (09022015). Collection method: clinical testing. Allele origin: germline.
Comment: This sequence change falls in intron 3 of the CBL gene. It does not directly change the encoded amino acid sequence of the CBL protein. It affects a nucleotide within the consensus splice site. This variant is not present in population databases (gnomAD no frequency). This variant has not been reported in the literature in individuals affected with CBL-related conditions. ClinVar contains an entry for this variant (Variation ID: 1927583). Variants that disrupt the consensus splice site are a relatively common cause of aberrant splicing (PMID: 17576681, 9536098). Algorithms developed to predict the effect of sequence changes on RNA splicing suggest that this variant may disrupt the consensus splice site. In summary, the available evidence is currently insufficient to determine the role of this variant in disease. Therefore, it has been classified as a Variant of Uncertain Significance.

Literature cited by the submitters: PubMed 17576681; PubMed 9536098.

NM_005188.4(CBL):c.591-3C>G

Gene: CBL (Cbl proto-oncogene; plus strand). Cytogenetic location: 11q23.3.
Variant type: single nucleotide variant.
Coding change: c.591-3C>G on transcript NM_005188.4 (MANE Select); 3 bases into the intron before coding-DNA position 591, C replaced by G.
Molecular consequence: intron variant.
Genome position (GRCh38, 1-based): chr11:119,273,865, C>G. VCF-style: chr11-119273865-C-G. GRCh37 (hg19) VCF-style: chr11-119144575-C-G.
Identifiers: ClinVar variation 1927583 (VCV001927583.5), dbSNP rs2496930623, ClinGen allele CA2580083651.
Genomic context (GRCh38, chr11:119,273,865, plus strand): 5'-ATGGCGATGCCTGGAATTATCTCTGTTATTTCACTTTATGCCTCCTCTCCACCCCCTCCC[C>G]AGGACAATAGTCCCTTGGAAGAGCTTTCGACAGGCTCTACATGAAGTGCATCCCATCAGT-3'